The following is an entry in ClinVar:

NM_031418.4(ANO3):c.1528G>A (p.Glu510Lys)

Gene: ANO3 (anoctamin 3; plus strand). Cytogenetic location: 11p14.2.
Variant type: single nucleotide variant.
Coding change: c.1528G>A on transcript NM_031418.4 (MANE Select); coding-DNA position 1528, G replaced by A.
Protein change: p.Glu510Lys; replaces glutamic acid 510 with lysine.
Molecular consequence: missense variant.
Genome position (GRCh38, 1-based): chr11:26,598,445, G>A. VCF-style: chr11-26598445-G-A. GRCh37 (hg19) VCF-style: chr11-26619992-G-A.
Other names: c.1711G>A, p.Glu571Lys (NM_001313726.2); c.1090G>A, p.Glu364Lys (NM_001313727.2); short protein forms E364K, E510K, E571K.
Identifiers: ClinVar variation 641954 (VCV000641954.12), dbSNP rs1590612392, ClinGen allele CA379940265.
Genomic context (GRCh38, chr11:26,598,445, plus strand): 5'-TGGAAAAGGAGAAGGAGTATACTGACCTATACTTGGGACCTTATCGAATGGGAAGAAGAG[G>A]AGGTAAGATGTTAGGATACAAGGAAATAGGGAAACTGGGCTATTACAGGATATGGAAAAT-3'
Protein context (NP_113606.2, residues 500-520): TWDLIEWEEE[Glu510Lys]ETLRPQFEAK

ClinVar aggregate classification (germline): Pathogenic/Likely pathogenic. Review status: criteria provided, multiple submitters, no conflicts (2 of 4 stars). 3 submissions from 3 submitters: Pathogenic (1); Likely pathogenic (2). Last evaluated 2023-11-20.

Conditions:
Dystonia 24 (DYT24). Also called: DYT-ANO3. Identifiers: Orphanet 420485, MedGen C3554374, MONDO:0014019, OMIM 615034.
Dystonic disorder. Also called: Dystonia. Identifiers: MedGen C0013421, MONDO:0003441, HP:0001332.

Submissions (3):

GeneDx
Classification: Likely pathogenic. Last evaluated: 2023-11-20. Review status: criteria provided, single submitter. Criteria: GeneDx Variant Classification Process June 2021. Collection method: clinical testing. Allele origin: germline. Affected: yes.
Comment: Not observed at significant frequency in large population cohorts (gnomAD); In silico analysis supports that this missense variant does not alter protein structure/function; This variant is associated with the following publications: (PMID: 30455893, 33388357, 31053532, Boddu2023[preprint], 33098801, 35872528, 30502610, 33247415, 27666935, 33488508)

Institute of Human Genetics Munich, TUM University Hospital
Classification: Pathogenic for Dystonia 24. Last evaluated: 2019-06-13. Review status: criteria provided, single submitter. Criteria: Classification criteria August 2017. Collection method: clinical testing. Allele origin: de novo. Inheritance: Autosomal dominant inheritance. Affected: yes. Observed: 1 heterozygote.

Labcorp Genetics (formerly Invitae), Labcorp
Classification: Likely pathogenic for Dystonic disorder. Last evaluated: 2018-11-21. Review status: criteria provided, single submitter. Criteria: Invitae Variant Classification Sherloc (09022015). Collection method: clinical testing. Allele origin: germline.
Comment: In summary, the currently available evidence indicates that the variant is pathogenic, but additional data are needed to prove that conclusively. Therefore, this variant has been classified as Likely Pathogenic. Algorithms developed to predict the effect of missense changes on protein structure and function are either unavailable or do not agree on the potential impact of this missense change (SIFT: "Deleterious"; PolyPhen-2: "Probably Damaging"; Align-GVGD: "Class C15"). This variant has been observed to be de novo in an individual affected with dystonia (PMID: 27666935). This variant is not present in population databases (ExAC no frequency). This sequence change replaces glutamic acid with lysine at codon 510 of the ANO3 protein (p.Glu510Lys). The glutamic acid residue is highly conserved and there is a small physicochemical difference between glutamic acid and lysine.

Literature cited by the submitters: PubMed 27666935 (cited by Labcorp Genetics (formerly Invitae), Labcorp).